The following continues an entry in ClinVar:

NM_000492.4(CFTR):c.1046C>T (p.Ala349Val)

Gene: CFTR. ClinVar aggregate classification (germline): Uncertain significance. Uncertain significance (1).

Submissions 9 to 20 of 20:

Quest Diagnostics Nichols Institute San Juan Capistrano
Classification: Uncertain significance. Last evaluated: 2024-09-11. Review status: criteria provided, single submitter. Criteria: Quest Diagnostics criteria. Collection method: clinical testing. Allele origin: unknown. Not counted in ClinVar's aggregate classification.
Comment: The CFTR c.1046C>T (p.Ala349Val) variant has been reported in the published literature in individuals with pancreatic sufficient cystic fibrosis (PMID: 25754095 (2015)), pancreatitis (PMID: 17003641 (2006), 22094894 (2012)), congenital bilateral absence of the vas deferens (CBAVD) (PMID: 8627844 (1996), 15070876 (2004)), and CFTR-related metabolic syndrome (CRMS) (PMID: 26671754 (2016)). A functional assay found this variant showed decreased CFTR function compared to wild-type (PMID: 29805046 (2018)). The frequency of this variant in the general population, 0.00022 (28/128882 chromosomes (Genome Aggregation Database)), is uninformative in the assessment of its pathogenicity. Analysis of this variant using bioinformatics tools for the prediction of the effect of amino acid changes on protein structure and function yielded conflicting predictions that this variant is deleterious or benign. Based on the available information, we are unable to determine the clinical significance of this variant.

ARUP Laboratories, Molecular Genetics and Genomics, ARUP Laboratories
Classification: Pathogenic. Last evaluated: 2023-05-08. Review status: criteria provided, single submitter. Criteria: ARUP Molecular Germline Variant Investigation Process 2024. Collection method: clinical testing. Allele origin: germline. Not counted in ClinVar's aggregate classification.
Comment: The CFTR c.1046C>T; p.Ala349Val variant (rs121909021) has been reported in patients diagnosed with congenital bilateral absence of vas deferens (Dayangac 2004, Havasi 2010) or pancreatitis (Keiles 2006, Sultan 2010), when found in-trans with pathogenic CFTR variants (Dayangac 2004, Sultan 2012). Functional studies show this variant to have approximately 45% of wild type function (Raraigh 2018). This variant is reported in ClinVar (Variation ID: 7172). It is found in the general population with an overall allele frequency of 0.01% (32/282468 alleles) in the Genome Aggregation Database. Computational analyses are uncertain whether this variant is neutral or deleterious (REVEL: 0.632). Due to its reported occurrence in CFTR-related disorders, the p.Ala349Val variant is classified as mildly pathogenic. References: Dayangac D et al. Mutations of the CFTR gene in Turkish patients with congenital bilateral absence of the vas deferens. Hum Reprod. 2004 May;19(5):1094-100. PMID: 15070876. Havasi V et al. Association of cystic fibrosis genetic modifiers with congenital bilateral absence of the vas deferens. Fertil Steril. 2010 Nov;94(6):2122-7. PMID: 20100616. Keiles S et al. Identification of CFTR, PRSS1, and SPINK1 mutations in 381 patients with pancreatitis. Pancreas. 2006 Oct;33(3):221-7. PMID: 17003641. Sultan M et al. Genetic prevalence and characteristics in children with recurrent pancreatitis. J Pediatr Gastroenterol Nutr. 2012 May;54(5):645-50. PMID: 22094894. Raraigh KS et al. Functional Assays Are Essential for Interpretation of Missense Variants Associated with Variable Expressivity. Am J Hum Genet. 2018 Jun 7;102(6):1062-1077. PMID: 29805046.

Baylor Genetics
Classification: Uncertain significance for Bronchiectasis with or without elevated sweat chloride 1. Last evaluated: 2023-01-26. Review status: criteria provided, single submitter. Criteria: ACMG Guidelines, 2015. Collection method: clinical testing. Allele origin: unknown. Not counted in ClinVar's aggregate classification.

Department of Pathology and Laboratory Medicine, Sinai Health System
Classification: Uncertain significance for cystic fibrosis. Last evaluated: 2022-09-21. Review status: criteria provided, single submitter. Criteria: ACMG Guidelines, 2015. Collection method: research. Allele origin: germline. Not counted in ClinVar's aggregate classification.

Mayo Clinic Laboratories, Mayo Clinic
Classification: Uncertain significance. Last evaluated: 2022-06-29. Review status: criteria provided, single submitter. Criteria: ACMG Guidelines, 2015. Collection method: clinical testing. Allele origin: germline. Observed: 3 variant alleles. Not counted in ClinVar's aggregate classification.

Genome-Nilou Lab
Classification: Uncertain significance for Cystic fibrosis. Last evaluated: 2021-07-22. Review status: criteria provided, single submitter. Criteria: ACMG Guidelines, 2015. Collection method: clinical testing. Allele origin: germline. Affected: no. Not counted in ClinVar's aggregate classification.

Johns Hopkins Genomics, Johns Hopkins University
Classification: Uncertain significance for Cystic fibrosis. Last evaluated: 2020-05-22. Review status: criteria provided, single submitter. Criteria: ACMG Guidelines, 2015. Collection method: clinical testing. Allele origin: germline. Not counted in ClinVar's aggregate classification.
Comment: CFTR variant of uncertain clinical significance. See CFTR2 for phenotype information.

Eurofins Ntd Llc (ga)
Classification: Uncertain significance. Last evaluated: 2017-08-24. Review status: criteria provided, single submitter. Criteria: EGL Classification Definitions 2015. Collection method: clinical testing. Allele origin: germline. Observed: 1 variant allele, 1 heterozygote. Not counted in ClinVar's aggregate classification.

Baylor Genetics
Classification: Likely pathogenic for Congenital bilateral aplasia of vas deferens from CFTR mutation; Cystic fibrosis. Review status: criteria provided, single submitter. Criteria: ACMG Guidelines, 2015. Collection method: clinical testing. Allele origin: germline. Not counted in ClinVar's aggregate classification.

Neuberg Centre For Genomic Medicine, NCGM
Classification: Uncertain significance for Cystic fibrosis. Review status: criteria provided, single submitter. Criteria: ACMG Guidelines, 2015. Collection method: clinical testing. Allele origin: germline. Inheritance: Autosomal recessive inheritance. Affected: yes. Not counted in ClinVar's aggregate classification.
Comment: The CFTR c.1046C>T; p.Ala349Val variant has been reported in patients diagnosed with congenital bilateral absence of vas deferens (Dayangac 2004) or pancreatitis (Keiles 2006), when found in-trans with pathogenic CFTR variants (Dayangac 2004). Functional studies show this variant to have approximately 45% of wild type function (Raraigh 2018). The observed variant has been submitted to ClinVar with conflicting interpretation of pathogenicity (Pathogenic/Likely Pathogenic/ Variant of Uncertain Significance). The p.Ala349Val variant is reported with the allele frequency (0.01%) in the gnomAD Exomes and is novel (not in any individuals) in 1000 Genomes. The amino acid Ala at position 349 is changed to a Val changing protein sequence and it might alter its composition and physico-chemical properties. The variant is predicted to be damaging by PolyPhen2 and the residue is conserved across species. The amino acid change p.Ala349Val in CFTR is predicted as conserved by GERP++ and PhyloP across 100 vertebrates. According to Cystic fibrosis mutation database, the effect of homozygous mutation on this disorder is uncertain, hence the variant has been classified as a Variant of Uncertain Significance (VUS).

Counsyl
Classification: Uncertain significance for Cystic fibrosis. Last evaluated: 2017-05-05. Review status: no assertion criteria provided. Collection method: clinical testing. Allele origin: unknown. Not counted in ClinVar's aggregate classification.

OMIM
Classification: Pathogenic for CYSTIC FIBROSIS. Last evaluated: 2016-12-08. Review status: no assertion criteria provided. Collection method: literature only. Allele origin: germline. Not counted in ClinVar's aggregate classification.

Literature cited by the submitters: PubMed 11168024 (cited by Women's Health and Genetics/Laboratory Corporation of America, LabCorp); PubMed 17003641 (cited by Women's Health and Genetics/Laboratory Corporation of America, LabCorp and Labcorp Genetics (formerly Invitae), Labcorp); PubMed 15638824 (cited by 4 submitters); PubMed 19324992 (cited by Women's Health and Genetics/Laboratory Corporation of America, LabCorp); PubMed 11933191 (cited by Women's Health and Genetics/Laboratory Corporation of America, LabCorp); PubMed 7683952 (cited by 3 submitters); PubMed 16635477 (cited by Women's Health and Genetics/Laboratory Corporation of America, LabCorp); PubMed 8627844 (cited by Women's Health and Genetics/Laboratory Corporation of America, LabCorp); PubMed 22094894 (cited by 3 submitters); PubMed 20100616 (cited by Women's Health and Genetics/Laboratory Corporation of America, LabCorp); PubMed 25735457 (cited by Women's Health and Genetics/Laboratory Corporation of America, LabCorp); PubMed 25754095 (cited by 3 submitters); PubMed 29805046 (cited by 4 submitters); PubMed 30046002 (cited by 3 submitters); PubMed 29669919 (cited by Women's Health and Genetics/Laboratory Corporation of America, LabCorp); PubMed 26671754 (cited by 4 submitters); PubMed 30888834 (cited by Women's Health and Genetics/Laboratory Corporation of America, LabCorp and Quest Diagnostics Nichols Institute San Juan Capistrano); PubMed 38388235 (cited by Women's Health and Genetics/Laboratory Corporation of America, LabCorp); PubMed 39532587 (cited by Women's Health and Genetics/Laboratory Corporation of America, LabCorp); PubMed 15070876 (cited by Ambry Genetics and Labcorp Genetics (formerly Invitae), Labcorp); PubMed 34996830 (cited by Quest Diagnostics Nichols Institute San Juan Capistrano); PubMed 15024729 (cited by OMIM).